The following is an entry in ClinVar:

NM_002691.4(POLD1):c.2464_2466del (p.Asp822del)

Gene: POLD1 (DNA polymerase delta 1, catalytic subunit; plus strand). Cytogenetic location: 19q13.33.
Variant type: Deletion.
Coding change: c.2464_2466del on transcript NM_002691.4 (MANE Select); coding-DNA positions 2464 to 2466, 3 bases deleted (GAC; older notation c.2464_2466delGAC).
Protein change: p.Asp822del; deletes aspartic acid 822.
Molecular consequence: inframe deletion. On other transcripts: non-coding transcript variant (1).
Genome position (GRCh38, 1-based): chr19:50,414,890-50,414,892, GAC deleted; deleting any 3 consecutive bases within chr19:50,414,888-50,414,892 gives the same sequence; the c. name uses the placement nearest the transcript's 3' end. VCF-style (leftmost placement, unchanged base first): chr19-50414887-CACG-C. GRCh37 (hg19) VCF-style: chr19-50918144-CACG-C.
Other names: c.2464_2466del, p.Asp822del (NM_001256849.1); c.2542_2544del, p.Asp848del (NM_001308632.1); short protein forms D848del, D822del.
Identifiers: ClinVar variation 2708703 (VCV002708703.3), dbSNP rs2514047990, ClinGen allele CA2697556662.
Genomic context (GRCh38, chr19:50,414,887, plus strand): 5'-TACCTGCTTATCAGCAAGAAGCGCTACGCGGGCCTGCTCTTCTCCTCCCGGCCCGACGCC[CACG>C]ACCGCATGGACTGCAAGGGCCTGGAGGCCGTGCGCAGGGACAACTGCCCCCTCGTGGCCA-3'

ClinVar aggregate classification (germline): Uncertain significance (1 of 4 stars; one submission).

Conditions:
POLD1-related polyposis and colorectal cancer syndrome (CRCS10). Also called: Colorectal cancer 10; Colorectal cancer, susceptibility to, 10; COLORECTAL CANCER, SUSCEPTIBILITY TO, ON CHROMOSOME 19q. Identifiers: Orphanet 220460, MedGen C2675481, MONDO:0012953, OMIM 612591.

Submission:

Labcorp Genetics (formerly Invitae), Labcorp
Classification: Uncertain significance for POLD1-related polyposis and colorectal cancer syndrome. Last evaluated: 2024-07-30. Review status: criteria provided, single submitter. Criteria: Invitae Variant Classification Sherloc (09022015). Collection method: clinical testing. Allele origin: germline.
Comment: This variant, c.2464_2466del, results in the deletion of 1 amino acid(s) of the POLD1 protein (p.Asp822del), but otherwise preserves the integrity of the reading frame. This variant is not present in population databases (gnomAD no frequency). This variant has not been reported in the literature in individuals affected with POLD1-related conditions. Experimental studies and prediction algorithms are not available or were not evaluated, and the functional significance of this variant is currently unknown. In summary, the available evidence is currently insufficient to determine the role of this variant in disease. Therefore, it has been classified as a Variant of Uncertain Significance.